The following is an entry in ClinVar:

NM_031935.3(HMCN1):c.10464A>T (p.Gly3488=)

Gene: HMCN1 (hemicentin 1; plus strand). Cytogenetic location: 1q31.1.
Variant type: single nucleotide variant.
Coding change: c.10464A>T on transcript NM_031935.3 (MANE Select); coding-DNA position 10464, A replaced by T.
Protein change: p.Gly3488=; no amino-acid change (glycine 3488 retained).
Molecular consequence: synonymous variant.
Genome position (GRCh38, 1-based): chr1:186,095,412, A>T. VCF-style: chr1-186095412-A-T. GRCh37 (hg19) VCF-style: chr1-186064544-A-T.
Identifiers: ClinVar variation 1387049 (VCV001387049.6), dbSNP rs2102422991, ClinGen allele CA422513755.

ClinVar aggregate classification (germline): Uncertain significance (1 of 4 stars; one submission).

Submission:

Labcorp Genetics (formerly Invitae), Labcorp
Classification: Uncertain significance. Last evaluated: 2022-03-09. Review status: criteria provided, single submitter. Criteria: Invitae Variant Classification Sherloc (09022015). Collection method: clinical testing. Allele origin: germline.
Comment: Algorithms developed to predict the effect of sequence changes on RNA splicing suggest that this variant may create or strengthen a splice site. In summary, the available evidence is currently insufficient to determine the role of this variant in disease. Therefore, it has been classified as a Variant of Uncertain Significance. This variant has not been reported in the literature in individuals affected with HMCN1-related conditions. This variant is not present in population databases (gnomAD no frequency). This sequence change affects codon 3488 of the HMCN1 mRNA. It is a 'silent' change, meaning that it does not change the encoded amino acid sequence of the HMCN1 protein.